The following is an entry in ClinVar:

NM_177438.3(DICER1):c.3726C>G (p.Tyr1242Ter)

Gene: DICER1 (dicer 1, ribonuclease III; minus strand). Cytogenetic location: 14q32.13.
Variant type: single nucleotide variant.
Coding change: c.3726C>G on transcript NM_177438.3 (MANE Select); coding-DNA position 3726, C replaced by G.
Protein change: p.Tyr1242Ter; replaces tyrosine 1242 with a stop codon.
Molecular consequence: nonsense.
Genome position (GRCh38, 1-based): chr14:95,103,670, G>C on the plus strand (C>G on the coding strand, the complement: DICER1 is on the minus strand). VCF-style: chr14-95103670-G-C. GRCh37 (hg19) VCF-style: chr14-95570007-G-C.
Other names: c.3726C>G, p.Tyr1242Ter (NM_001195573.1, NM_001271282.3, NM_001291628.2 and 1 more transcripts); short protein forms Y1242*.
Identifiers: ClinVar variation 429126 (VCV000429126.4), dbSNP rs886037708, ClinGen allele CA390874237.

ClinVar aggregate classification (germline): Pathogenic. Review status: criteria provided, multiple submitters, no conflicts (2 of 4 stars). 2 submissions from 2 submitters: Pathogenic (2). Last evaluated 2024-11-05.

Conditions:
Hereditary cancer-predisposing syndrome. Also called: Hereditary Cancer Syndrome; Neoplastic Syndromes, Hereditary; Hereditary neoplastic syndrome; Tumor predisposition. Identifiers: Orphanet 140162, MedGen C0027672, MeSH D009386, MONDO:0015356.

Submissions (2):

GeneDx
Classification: Pathogenic. Last evaluated: 2024-11-05. Review status: criteria provided, single submitter. Criteria: GeneDx Variant Classification Process June 2021. Collection method: clinical testing. Allele origin: germline. Affected: yes.
Comment: Nonsense variant predicted to result in protein truncation or nonsense mediated decay in a gene for which loss of function is a known mechanism of disease; Not observed at significant frequency in large population cohorts (gnomAD); Has not been previously published as pathogenic or benign to our knowledge

Ambry Genetics
Classification: Pathogenic for Hereditary cancer-predisposing syndrome. Last evaluated: 2013-01-02. Review status: criteria provided, single submitter. Criteria: Ambry Autosomal Dominant and X-Linked criteria (10/2015). Collection method: clinical testing. Allele origin: germline. Observed: 1 variant allele.
Comment: This alteration is expected to result in loss of function by premature protein truncation or nonsense-mediatedâ€¯mRNAâ€¯decay.â€¯As such, this alteration is interpreted as a disease-causing mutation.